The following is an entry in ClinVar:

NM_173076.3(ABCA12):c.4587A>G (p.Thr1529=)

Gene: ABCA12 (ATP binding cassette subfamily A member 12; minus strand). Cytogenetic location: 2q35.
Variant type: single nucleotide variant.
Coding change: c.4587A>G on transcript NM_173076.3 (MANE Select); coding-DNA position 4587, A replaced by G.
Protein change: p.Thr1529=; no amino-acid change (threonine 1529 retained).
Molecular consequence: synonymous variant. On other transcripts: non-coding transcript variant (1).
Genome position (GRCh38, 1-based): chr2:214,980,636, T>C on the plus strand (A>G on the coding strand, the complement: ABCA12 is on the minus strand). VCF-style: chr2-214980636-T-C. GRCh37 (hg19) VCF-style: chr2-215845360-T-C.
Other names: c.3633A>G, p.Thr1211= (NM_015657.4); c.4587A>G (NM_173076.2).
Identifiers: ClinVar variation 2822296 (VCV002822296.4), dbSNP rs1244315721, ClinGen allele CA431149029.

ClinVar aggregate classification (germline): Likely benign. Review status: criteria provided, multiple submitters, no conflicts (2 of 4 stars). 2 submissions from 2 submitters: Likely benign (2). Last evaluated 2025-09-23.

Conditions:
ABCA12-related disorder. Also called: ABCA12-related condition.

Allele frequency attached by ClinVar (database versions not stated): TOPMed below 0.00001.

Submissions (2):

PreventionGenetics, part of Exact Sciences
Classification: Likely benign for ABCA12-related condition. Last evaluated: 2025-09-23. Review status: criteria provided, single submitter. Criteria: ACMG Guidelines, 2015. Collection method: clinical testing. Allele origin: germline.
Comment: This variant is classified as likely benign based on ACMG/AMP sequence variant interpretation guidelines (Richards et al. 2015 PMID: 25741868, with internal and published modifications).

Labcorp Genetics (formerly Invitae), Labcorp
Classification: Likely benign. Last evaluated: 2022-12-20. Review status: criteria provided, single submitter. Criteria: Invitae Variant Classification Sherloc (09022015). Collection method: clinical testing. Allele origin: germline.